The following is an entry in ClinVar:

ClinVar aggregate classification (germline): Uncertain significance (1 of 4 stars; one submission).

Conditions:
Hereditary cancer-predisposing syndrome. Also called: Neoplastic Syndromes, Hereditary; Tumor predisposition; Hereditary neoplastic syndrome; Hereditary Cancer Syndrome. Identifiers: Orphanet 140162, MedGen C0027672, MeSH D009386, MONDO:0015356.

Submission:

Ambry Genetics
Classification: Uncertain significance for Hereditary cancer-predisposing syndrome. Last evaluated: 2026-07-21. Review status: criteria provided, single submitter. Criteria: Ambry Variant Classification Scheme 2023. Collection method: clinical testing. Allele origin: germline.
Comment: The p.L578Q variant (also known as c.1733T>A), located in coding exon 16 of the TSC2 gene, results from a T to A substitution at nucleotide position 1733. The leucine at codon 578 is replaced by glutamine, an amino acid with dissimilar properties. This amino acid position is conserved. In addition, this alteration is predicted to be deleterious by in silico analysis. Based on the available evidence, the clinical significance of this variant remains unclear.

NM_000548.5(TSC2):c.1733T>A (p.Leu578Gln)

Gene: TSC2 (TSC complex subunit 2; plus strand). Cytogenetic location: 16p13.3.
Variant type: single nucleotide variant.
Coding change: c.1733T>A on transcript NM_000548.5 (MANE Select); coding-DNA position 1733, T replaced by A.
Protein change: p.Leu578Gln; replaces leucine 578 with glutamine.
Molecular consequence: missense variant. On other transcripts: non-coding transcript variant (5).
Genome position (GRCh38, 1-based): chr16:2,070,472, T>A. VCF-style: chr16-2070472-T-A. GRCh37 (hg19) VCF-style: chr16-2120473-T-A.
Other names: c.1622T>A, p.Leu541Gln (NM_001406670.1, NM_001406678.1, NM_001318827.2); c.1721T>A, p.Leu574Gln (NM_001406671.1, NM_001406673.1); c.1586T>A, p.Leu529Gln (NM_001406675.1, NM_001406676.1, NM_001406679.1 and 1 more transcripts); c.1676T>A, p.Leu559Gln (NM_001406677.1); c.1133T>A, p.Leu378Gln (NM_001406680.1, NM_001318831.2, NM_001406682.1 and 6 more transcripts); c.1271T>A, p.Leu424Gln (NM_001406681.1); c.389T>A, p.Leu130Gln (NM_001406693.1, NM_001406694.1, NM_001406695.1 and 6 more transcripts); c.131T>A, p.Leu44Gln (NM_001406698.1); and 3 more; short protein forms L541Q, L574Q, L130Q, L378Q, L424Q, L529Q, L589Q, L608Q.
Identifiers: ClinVar variation 5031368 (VCV005031368.1).